The following is an entry in ClinVar:

NM_001388453.1(QRICH2):c.2387T>C (p.Ile796Thr)

Gene: QRICH2 (glutamine rich 2; minus strand). Cytogenetic location: 17q25.1.
Variant type: single nucleotide variant.
Coding change: c.2387T>C on transcript NM_001388453.1 (MANE Select); coding-DNA position 2387, T replaced by C.
Protein change: p.Ile796Thr; replaces isoleucine 796 with threonine.
Molecular consequence: missense variant.
Genome position (GRCh38, 1-based): chr17:76,292,340, A>G on the plus strand (T>C on the coding strand, the complement: QRICH2 is on the minus strand). VCF-style: chr17-76292340-A-G. GRCh37 (hg19) VCF-style: chr17-74288421-A-G.
Other names: c.2387T>C, p.Ile796Thr (NM_032134.3); short protein forms I796T.
Identifiers: ClinVar variation 3049624 (VCV003049624.2), dbSNP rs6501878, ClinGen allele CA8784094.

ClinVar aggregate classification (germline): Likely benign (0 of 4 stars; one submission).

Conditions:
QRICH2-related disorder. Also called: QRICH2-related condition.

Allele frequency attached by ClinVar (database versions not stated): gnomAD 0.00455; ESP Exome Variant Server 0.15436; 1000 Genomes Project 0.45986.

Submission:

PreventionGenetics, part of Exact Sciences
Classification: Likely benign for QRICH2-related condition. Last evaluated: 2019-07-16. Review status: no assertion criteria provided. Collection method: clinical testing. Allele origin: germline.
Comment: This variant is classified as likely benign based on ACMG/AMP sequence variant interpretation guidelines (Richards et al. 2015 PMID: 25741868, with internal and published modifications).